The following is an entry in ClinVar:

ClinVar aggregate classification (germline): Uncertain significance (1 of 4 stars; one submission).

Conditions:
Idiopathic generalized epilepsy. Also called: EIG; Generalised epilepsy. Identifiers: MedGen C0270850, MONDO:0005579, OMIM 600669.
Hyperaldosteronism, familial, type IV (HALD4). Also called: FH IV; ALDOSTERONISM, PRIMARY, AND HYPERTENSION. Identifiers: Orphanet 642671, MedGen C4310756, MONDO:0014875, OMIM 617027.

Submission:

Labcorp Genetics (formerly Invitae), Labcorp
Classification: Uncertain significance for Idiopathic generalized epilepsy; Hyperaldosteronism, familial, type IV. Last evaluated: 2024-12-10. Review status: criteria provided, single submitter. Criteria: Invitae Variant Classification Sherloc (09022015). Collection method: clinical testing. Allele origin: germline.
Comment: This sequence change falls in intron 12 of the CACNA1H gene. It does not directly change the encoded amino acid sequence of the CACNA1H protein. This variant is not present in population databases (gnomAD no frequency). This variant has not been reported in the literature in individuals affected with CACNA1H-related conditions. Experimental studies and prediction algorithms are not available or were not evaluated, and the effect of this variant on mRNA splicing is currently unknown. In summary, the available evidence is currently insufficient to determine the role of this variant in disease. Therefore, it has been classified as a Variant of Uncertain Significance.

NM_021098.3(CACNA1H):c.2790-52_2790-3del

Gene: CACNA1H (calcium voltage-gated channel subunit alpha1 H; plus strand). Cytogenetic location: 16p13.3.
Variant type: Deletion.
Coding change: c.2790-52_2790-3del on transcript NM_021098.3 (MANE Select); 52 bases into the intron before coding-DNA position 2790 through 3 bases into the intron before coding-DNA position 2790, 50 bases deleted.
Molecular consequence: intron variant.
Genome position (GRCh38, 1-based): chr16:1,206,949-1,206,998, 50 bases deleted; deleting any 50 consecutive bases within chr16:1,206,948-1,206,998 gives the same sequence; the c. name uses the placement nearest the transcript's 3' end. GRCh37 (hg19): chr16:1,256,949-1,256,998.
Other names: c.2790-52_2790-3del (NM_001005407.2).
Identifiers: ClinVar variation 3757910 (VCV003757910.2).